The following is an entry in ClinVar:

NM_004086.3(COCH):c.366_371del (p.Val123_Thr124del)

Genes: COCH (cochlin; plus strand), COCH-AS1 (COCH antisense RNA 1; minus strand). Cytogenetic location: 14q12.
Variant type: Deletion.
Coding change: c.366_371del on transcript NM_004086.3 (MANE Select); coding-DNA positions 366 to 371, 6 bases deleted (AGTAAC; older notation c.366_371delAGTAAC).
Protein change: p.Val123_Thr124del.
Molecular consequence: inframe deletion.
Genome position (GRCh38, 1-based): chr14:30,878,937-30,878,942, AGTAAC deleted; deleting any 6 consecutive bases within chr14:30,878,935-30,878,942 gives the same sequence; the c. name uses the placement nearest the transcript's 3' end. VCF-style (leftmost placement, unchanged base first): chr14-30878934-CACAGTA-C. GRCh37 (hg19) VCF-style: chr14-31348140-CACAGTA-C.
Other names: c.366_371del, p.Val123_Thr124del (NM_001135058.2); c.561_566del, p.Val188_Thr189del (NM_001347720.2).
Identifiers: ClinVar variation 2430251 (VCV002430251.1), dbSNP rs2502716389, ClinGen allele CA2580088001.
Genomic context (GRCh38, chr14:30,878,934, plus strand): 5'-TTCCTCAGTAGATGCCAATGGCATCCAGTCTCAAATGCTTTCTAGATGGTCTGCTTCTTT[CACAGTA>C]ACTAGTAGGTATAATTATTGTTCTCATTCTGTAATATTCTCCCACCCCCCAAACGTTTTC-3'

ClinVar aggregate classification (germline): Uncertain significance (1 of 4 stars; one submission).

Conditions:
Autosomal dominant nonsyndromic hearing loss 9. Identifiers: Orphanet 90635, MedGen C1832425, MONDO:0011058, OMIM 601369.

Submission:

Institute of Human Genetics, University of Leipzig Medical Center
Classification: Uncertain significance for Autosomal dominant nonsyndromic hearing loss 9. Last evaluated: 2022-12-23. Review status: criteria provided, single submitter. Criteria: ACMG Guidelines, 2015. Collection method: clinical testing. Allele origin: unknown. Affected: yes.
Comment: _x000D_ Criteria applied: PM4, PM2_SUP